The following is an entry in ClinVar:

NM_000400.4(ERCC2):c.2269G>C (p.Ala757Pro)

Gene: ERCC2 (ERCC excision repair 2, TFIIH core complex helicase subunit; minus strand). Cytogenetic location: 19q13.32.
Variant type: single nucleotide variant.
Coding change: c.2269G>C on transcript NM_000400.4 (MANE Select); coding-DNA position 2269, G replaced by C.
Protein change: p.Ala757Pro; replaces alanine 757 with proline.
Molecular consequence: missense variant.
Genome position (GRCh38, 1-based): chr19:45,351,643, C>G on the plus strand (G>C on the coding strand, the complement: ERCC2 is on the minus strand). VCF-style: chr19-45351643-C-G. GRCh37 (hg19) VCF-style: chr19-45854901-C-G.
Other names: short protein forms A757P.
Identifiers: ClinVar variation 2452375 (VCV002452375.2), dbSNP rs1217276240, ClinGen allele CA406360228.

ClinVar aggregate classification (germline): Uncertain significance (1 of 4 stars; one submission).

Conditions:
Inborn genetic diseases. Identifiers: MedGen C0950123, MeSH D030342.

Allele frequency attached by ClinVar (database versions not stated): gnomAD exomes 0.00001.
gnomAD v4.1: 3 of 1,614,072 alleles (0.00019%); highest among the groups gnomAD compares: Non-Finnish European, 0.00025%; no homozygotes.

Submission:

Ambry Genetics
Classification: Uncertain significance for Inborn genetic diseases. Last evaluated: 2023-03-03. Review status: criteria provided, single submitter. Criteria: Ambry Variant Classification Scheme 2023. Collection method: clinical testing. Allele origin: germline.
Comment: The p.A757P variant (also known as c.2269G>C), located in coding exon 23 of the ERCC2 gene, results from a G to C substitution at nucleotide position 2269. The alanine at codon 757 is replaced by proline, an amino acid with highly similar properties. This amino acid position is conserved. In addition, the in silico prediction for this alteration is inconclusive. Since supporting evidence is limited at this time, the clinical significance of this alteration remains unclear.